The following is an entry in ClinVar:

NM_177550.5(SLC13A5):c.124A>C (p.Ile42Leu)

Gene: SLC13A5 (solute carrier family 13 member 5; minus strand). Cytogenetic location: 17p13.1.
Variant type: single nucleotide variant.
Coding change: c.124A>C on transcript NM_177550.5 (MANE Select); coding-DNA position 124, A replaced by C.
Protein change: p.Ile42Leu; replaces isoleucine 42 with leucine.
Molecular consequence: missense variant. On other transcripts: intron variant (1).
Genome position (GRCh38, 1-based): chr17:6,707,135, T>G on the plus strand (A>C on the coding strand, the complement: SLC13A5 is on the minus strand). VCF-style: chr17-6707135-T-G. GRCh37 (hg19) VCF-style: chr17-6610454-T-G.
Other names: c.124A>C, p.Ile42Leu (NM_001143838.3, NM_001284509.2); c.103-357A>C (NM_001284510.2); short protein forms I42L.
Identifiers: ClinVar variation 1442657 (VCV001442657.6), dbSNP rs2151498818, ClinGen allele CA397751968.

ClinVar aggregate classification (germline): Uncertain significance (1 of 4 stars; one submission).

Conditions:
Developmental and epileptic encephalopathy, 25 (DEE25). Also called: Developmental and epileptic encephalopathy 25, with amelogenesis imperfecta; Epileptic encephalopathy, early infantile, 25, with amelogenesis imperfecta; Epileptic encephalopathy, early infantile, 25. Identifiers: Orphanet 442835, MedGen C4014621, MONDO:0014392, OMIM 615905.

Submission:

Labcorp Genetics (formerly Invitae), Labcorp
Classification: Uncertain significance for Developmental and epileptic encephalopathy, 25. Last evaluated: 2021-11-04. Review status: criteria provided, single submitter. Criteria: Invitae Variant Classification Sherloc (09022015). Collection method: clinical testing. Allele origin: germline.
Comment: Algorithms developed to predict the effect of missense changes on protein structure and function (SIFT, PolyPhen-2, Align-GVGD) all suggest that this variant is likely to be tolerated. In summary, the available evidence is currently insufficient to determine the role of this variant in disease. Therefore, it has been classified as a Variant of Uncertain Significance. This variant has not been reported in the literature in individuals affected with SLC13A5-related conditions. This variant is not present in population databases (gnomAD no frequency). This sequence change replaces isoleucine, which is neutral and non-polar, with leucine, which is neutral and non-polar, at codon 42 of the SLC13A5 protein (p.Ile42Leu).